The following is an entry in ClinVar:

ClinVar aggregate classification (germline): Uncertain significance (1 of 4 stars; one submission).

Allele frequency attached by ClinVar (database versions not stated): gnomAD 0.00002.

Submission:

Labcorp Genetics (formerly Invitae), Labcorp
Classification: Uncertain significance. Last evaluated: 2025-01-19. Review status: criteria provided, single submitter. Criteria: Invitae Variant Classification Sherloc (09022015). Collection method: clinical testing. Allele origin: germline.
Comment: The GFAP gene has multiple clinically relevant transcripts. This variant occurs in alternate transcript NM_001131019.2, and corresponds to NM_002055.4:c.1171+352C>T in the primary transcript. This sequence change falls in intron 7 of the GFAP gene. It does not directly change the encoded amino acid sequence of the GFAP protein. It affects a nucleotide within the consensus splice site. This variant is not present in population databases (gnomAD no frequency). This variant has not been reported in the literature in individuals affected with GFAP-related conditions. ClinVar contains an entry for this variant (Variation ID: 1646159). Variants that disrupt the consensus splice site are a relatively common cause of aberrant splicing (PMID: 17576681, 9536098). Algorithms developed to predict the effect of sequence changes on RNA splicing suggest that this variant is not likely to affect RNA splicing. In summary, the available evidence is currently insufficient to determine the role of this variant in disease. Therefore, it has been classified as a Variant of Uncertain Significance.

Literature cited by the submitters: PubMed 17576681; PubMed 9536098.

NM_002055.5(GFAP):c.1171+352C>T

Gene: GFAP (glial fibrillary acidic protein; minus strand). Cytogenetic location: 17q21.31.
Variant type: single nucleotide variant.
Coding change: c.1171+352C>T on transcript NM_002055.5 (MANE Select); 352 bases into the intron after coding-DNA position 1171, C replaced by T.
Molecular consequence: intron variant. On other transcripts: 3 prime UTR variant (1).
Genome position (GRCh38, 1-based): chr17:44,910,263, G>A on the plus strand (C>T on the coding strand, the complement: GFAP is on the minus strand). VCF-style: chr17-44910263-G-A. GRCh37 (hg19) VCF-style: chr17-42987631-G-A.
Other names: c.*206C>T (NM_001242376.3); c.1172-3C>T (NM_001363846.2, NM_001131019.3).
Identifiers: ClinVar variation 1646159 (VCV001646159.8), dbSNP rs1398585261, ClinGen allele CA772330880.